The following is an entry in ClinVar:

NM_001323289.2(CDKL5):c.2502G>T (p.Gln834His)

Gene: CDKL5 (cyclin dependent kinase like 5; plus strand). Cytogenetic location: Xp22.13.
Variant type: single nucleotide variant.
Coding change: c.2502G>T on transcript NM_001323289.2 (MANE Select); coding-DNA position 2502, G replaced by T.
Protein change: p.Gln834His; replaces glutamine 834 with histidine.
Molecular consequence: missense variant.
Genome position (GRCh38, 1-based): chrX:18,628,376, G>T. VCF-style: chrX-18628376-G-T. GRCh37 (hg19) VCF-style: chrX-18646496-G-T.
Other names: c.2502G>T, p.Gln834His (NM_001037343.2, NM_003159.3); short protein forms Q834H.
Identifiers: ClinVar variation 573507 (VCV000573507.12), dbSNP rs1334119558, ClinGen allele CA412366913.
Genomic context (GRCh38, chrX:18,628,376, plus strand): 5'-AGCCTTATGGTCGCTCTAACTTGAATCCTGTGTGCATTCTCATCCTTTCTTTCAGAGCCA[G>T]CCATTAAAATCACTGCGCAAGTTGTTACATCTCTCTTCGGCCTCAAATCACCCGGCTTCC-3'
Protein context (NP_001310218.1, residues 824-844): EKISDLQTQS[Gln834His]PLKSLRKLLH

ClinVar aggregate classification (germline): Uncertain significance (1 of 4 stars; one submission).

Conditions:
Developmental and epileptic encephalopathy, 2 (DEE2). Also called: INFANTILE SPASM SYNDROME, X-LINKED 2; CDKL5 deficiency disorder. Identifiers: Orphanet 1934, Orphanet 3451, Orphanet 505652, MedGen C4750718, MONDO:0010396, OMIM 300672.
Angelman syndrome-like. Identifiers: MedGen CN128785.

Allele frequency attached by ClinVar (database versions not stated): gnomAD 0.00002; TOPMed 0.00003.
gnomAD v4.1: 2 of 1,209,246 alleles (0.00017%); highest among the groups gnomAD compares: African/African-American, 0.0035%; no homozygotes.

Submission:

Labcorp Genetics (formerly Invitae), Labcorp
Classification: Uncertain significance for Developmental and epileptic encephalopathy, 2; Angelman syndrome-like. Last evaluated: 2023-12-03. Review status: criteria provided, single submitter. Criteria: Invitae Variant Classification Sherloc (09022015). Collection method: clinical testing. Allele origin: germline.
Comment: This sequence change replaces glutamine, which is neutral and polar, with histidine, which is basic and polar, at codon 834 of the CDKL5 protein (p.Gln834His). This variant is present in population databases (no rsID available, gnomAD 0.02%). This variant has not been reported in the literature in individuals affected with CDKL5-related conditions. ClinVar contains an entry for this variant (Variation ID: 573507). Advanced modeling of protein sequence and biophysical properties (such as structural, functional, and spatial information, amino acid conservation, physicochemical variation, residue mobility, and thermodynamic stability) performed at Invitae indicates that this missense variant is not expected to disrupt CDKL5 protein function with a negative predictive value of 95%. In summary, the available evidence is currently insufficient to determine the role of this variant in disease. Therefore, it has been classified as a Variant of Uncertain Significance.